The following is an entry in ClinVar:

ClinVar aggregate classification (germline): Pathogenic (1 of 4 stars; one submission).

Submission:

GeneDx
Classification: Pathogenic. Last evaluated: 2026-02-09. Review status: criteria provided, single submitter. Criteria: GeneDx Variant Classification Process June 2021. Collection method: clinical testing. Allele origin: germline.
Comment: Has not been previously published as pathogenic or benign to our knowledge; Located in the highly conserved Gly-X-Y repeat of the collagenous domain; Glycine substitution variants in this region of the COLVII protein destabilize the collagen triple helix resulting in skin fragility due to poor anchoring of the basement membrane to the underlying dermis (PMID: 20301481); Not observed at significant frequency in large population cohorts (gnomAD); In silico analysis supports that this missense variant has a deleterious effect on protein structure/function; This variant is associated with the following publications: (PMID: 20301481)

NM_000094.4(COL7A1):c.8155G>T (p.Gly2719Cys)

Gene: COL7A1 (collagen type VII alpha 1 chain; minus strand). Cytogenetic location: 3p21.31.
Variant type: single nucleotide variant.
Coding change: c.8155G>T on transcript NM_000094.4 (MANE Select); coding-DNA position 8155, G replaced by T.
Protein change: p.Gly2719Cys; replaces glycine 2719 with cysteine.
Molecular consequence: missense variant.
Genome position (GRCh38, 1-based): chr3:48,566,978, C>A on the plus strand (G>T on the coding strand, the complement: COL7A1 is on the minus strand). VCF-style: chr3-48566978-C-A. GRCh37 (hg19) VCF-style: chr3-48604411-C-A.
Other names: short protein forms G2719C.
Identifiers: ClinVar variation 4689849 (VCV004689849.2).